The following is an entry in ClinVar:

ClinVar aggregate classification (germline): Benign/Likely benign. Review status: criteria provided, multiple submitters, no conflicts (2 of 4 stars). 10 submissions from 10 submitters: Benign (8); Likely benign (1). 1 of the submissions does not count toward it. Last evaluated 2026-02-03.

Conditions:
Cardiomyopathy, familial hypertrophic 27. Identifiers: MedGen C4748014, MONDO:0054838, OMIM 618052.
Cardiovascular phenotype. Identifiers: MedGen CN230736.
ALPK3-related disorder. Also called: ALPK3-related condition.

Allele frequency attached by ClinVar (database versions not stated): gnomAD exomes 0.00102; ExAC 0.00196; ESP Exome Variant Server 0.00902; gnomAD 0.00946 and 0.01026; 1000 Genomes Project 0.01038; TOPMed 0.01053; 1000 Genomes Project 30x 0.01077.
gnomAD v4.1: 2,663 of 1,502,670 alleles (0.18%); highest among the groups gnomAD compares: African/African-American, 3.4%; 50 homozygotes.

Submissions (10):

Labcorp Genetics (formerly Invitae), Labcorp
Classification: Benign. Last evaluated: 2026-02-03. Review status: criteria provided, single submitter. Criteria: Invitae Variant Classification Sherloc (09022015). Collection method: clinical testing. Allele origin: germline.

Molecular Diagnostic Laboratory for Inherited Cardiovascular Disease, Montreal Heart Institute
Classification: Likely benign. Last evaluated: 2025-04-09. Review status: criteria provided, single submitter. Criteria: ACMG Guidelines, 2015. Collection method: clinical testing. Allele origin: germline. Affected: no.

Blueprint Genetics
Classification: Benign. Last evaluated: 2024-11-25. Review status: criteria provided, single submitter. Criteria: ACMG Guidelines, 2015. Collection method: clinical testing. Allele origin: germline.

Women's Health and Genetics/Laboratory Corporation of America, LabCorp
Classification: Benign. Last evaluated: 2024-10-28. Review status: criteria provided, single submitter. Criteria: LabCorp Variant Classification Summary - May 2015. Collection method: clinical testing. Allele origin: germline.
Comment: Variant summary: ALPK3 c.104C>T (p.Ala35Val) results in a non-conservative amino acid change in the encoded protein sequence. Three of five in-silico tools predict a damaging effect of the variant on protein function. The variant allele was found at a frequency of 0.001 in 96092 control chromosomes, predominantly at a frequency of 0.035 within the African or African-American subpopulation in the gnomAD database with 5 homozygotes. The available data on variant occurrences in the general population suggests the variant may be a benign change. To our knowledge, no occurrence of c.104C>T in individuals affected with Cardiomyopathy and no experimental evidence demonstrating its impact on protein function have been reported. ClinVar contains an entry for this variant (Variation ID: 384681). Based on the evidence outlined above, the variant was classified as benign.

ARUP Laboratories, Molecular Genetics and Genomics, ARUP Laboratories
Classification: Benign for Cardiomyopathy, familial hypertrophic 27. Last evaluated: 2024-07-29. Review status: criteria provided, single submitter. Criteria: ARUP Molecular Germline Variant Investigation Process 2024. Collection method: clinical testing. Allele origin: germline.

Mayo Clinic Laboratories, Mayo Clinic
Classification: Benign. Last evaluated: 2023-02-01. Review status: criteria provided, single submitter. Criteria: ACMG Guidelines, 2015. Collection method: clinical testing. Allele origin: germline. Observed: 14 variant alleles.
Comment: BS1, BS2, BP4

Ambry Genetics
Classification: Benign for Cardiovascular phenotype. Last evaluated: 2019-01-07. Review status: criteria provided, single submitter. Criteria: Ambry Variant Classification Scheme 2023. Collection method: clinical testing. Allele origin: germline.

GeneDx
Classification: Benign. Last evaluated: 2016-10-24. Review status: criteria provided, single submitter. Criteria: GeneDx Variant Classification (06012015). Collection method: clinical testing. Allele origin: germline. Affected: yes.
Comment: This variant is considered likely benign or benign based on one or more of the following criteria: it is a conservative change, it occurs at a poorly conserved position in the protein, it is predicted to be benign by multiple in silico algorithms, and/or has population frequency not consistent with disease.

Breakthrough Genomics
Classification: Benign. Review status: criteria provided, single submitter. Criteria: ACMG Guidelines, 2015. Collection method: not provided. Allele origin: germline. Inheritance: Autosomal recessive inheritance. Affected: yes.

PreventionGenetics, part of Exact Sciences
Classification: Benign for ALPK3-related condition. Last evaluated: 2019-03-12. Review status: no assertion criteria provided. Collection method: clinical testing. Allele origin: germline. Not counted in ClinVar's aggregate classification.
Comment: This variant is classified as benign based on ACMG/AMP sequence variant interpretation guidelines (Richards et al. 2015 PMID: 25741868, with internal and published modifications).

NM_020778.5(ALPK3):c.104C>T (p.Ala35Val)

Gene: ALPK3 (alpha kinase 3; plus strand). Cytogenetic location: 15q25.3.
Variant type: single nucleotide variant.
Coding change: c.104C>T on transcript NM_020778.5 (MANE Select); coding-DNA position 104, C replaced by T.
Protein change: p.Ala35Val; replaces alanine 35 with valine.
Molecular consequence: missense variant.
Genome position (GRCh38, 1-based): chr15:84,817,556, C>T. VCF-style: chr15-84817556-C-T. GRCh37 (hg19) VCF-style: chr15-85360787-C-T.
Other names: p.Ala237Val; short protein forms A237V, A35V.
Identifiers: ClinVar variation 384681 (VCV000384681.24), dbSNP rs75088852, ClinGen allele CA7708841.